The following is an entry in ClinVar:

NM_000016.6(ACADM):c.1021G>A (p.Ala341Thr)

Gene: ACADM (acyl-CoA dehydrogenase medium chain; plus strand). Cytogenetic location: 1p31.1.
Variant type: single nucleotide variant.
Coding change: c.1021G>A on transcript NM_000016.6 (MANE Select); coding-DNA position 1021, G replaced by A.
Protein change: p.Ala341Thr; replaces alanine 341 with threonine.
Molecular consequence: missense variant.
Genome position (GRCh38, 1-based): chr1:75,761,197, G>A. VCF-style: chr1-75761197-G-A. GRCh37 (hg19) VCF-style: chr1-76226882-G-A.
Other names: c.1021G>A (NM_000016.5); c.1033G>A, p.Ala345Thr (NM_001127328.3); c.913G>A, p.Ala305Thr (NM_001286042.2); c.1120G>A, p.Ala374Thr (NM_001286043.2); c.454G>A, p.Ala152Thr (NM_001286044.2); short protein forms A152T, A305T, A341T, A345T, A374T.
Identifiers: ClinVar variation 1024055 (VCV001024055.13), dbSNP rs1424545377, ClinGen allele CA340818004.

ClinVar aggregate classification (germline): Uncertain significance. Review status: criteria provided, multiple submitters, no conflicts (2 of 4 stars). 3 submissions from 3 submitters: Uncertain significance (2). 1 of the submissions does not count toward it. Last evaluated 2023-08-27.

Conditions:
Medium-chain acyl-coenzyme A dehydrogenase deficiency (ACADMD). Also called: Medium chain acyl-CoA dehydrogenase deficiency; MCADH DEFICIENCY; MCADD; CARNITINE DEFICIENCY SECONDARY TO MEDIUM-CHAIN ACYL-CoA DEHYDROGENASE DEFICIENCY; ACADM DEFICIENCY; MCAD Deficiency. Identifiers: Orphanet 42, MedGen C0220710, MONDO:0008721, OMIM 201450.

Submissions (3):

Labcorp Genetics (formerly Invitae), Labcorp
Classification: Uncertain significance for Medium-chain acyl-coenzyme A dehydrogenase deficiency. Last evaluated: 2023-08-27. Review status: criteria provided, single submitter. Criteria: Invitae Variant Classification Sherloc (09022015). Collection method: clinical testing. Allele origin: germline.
Comment: In summary, the available evidence is currently insufficient to determine the role of this variant in disease. Therefore, it has been classified as a Variant of Uncertain Significance. This sequence change replaces alanine, which is neutral and non-polar, with threonine, which is neutral and polar, at codon 341 of the ACADM protein (p.Ala341Thr). This variant is not present in population databases (gnomAD no frequency). This variant has not been reported in the literature in individuals affected with ACADM-related conditions. ClinVar contains an entry for this variant (Variation ID: 1024055). Advanced modeling of protein sequence and biophysical properties (such as structural, functional, and spatial information, amino acid conservation, physicochemical variation, residue mobility, and thermodynamic stability) performed at Invitae indicates that this missense variant is not expected to disrupt ACADM protein function.

Revvity Omics, Revvity
Classification: Uncertain significance for Medium-chain acyl-coenzyme A dehydrogenase deficiency. Last evaluated: 2021-09-20. Review status: criteria provided, single submitter. Criteria: ACMG Guidelines, 2015. Collection method: clinical testing. Allele origin: germline.

Natera, Inc.
Classification: Uncertain significance for Medium Chain Acyl-CoA Dehydrogenase Deficiency. Last evaluated: 2019-12-10. Review status: no assertion criteria provided. Collection method: clinical testing. Allele origin: germline. Not counted in ClinVar's aggregate classification.